The following is an entry in ClinVar:

ClinVar aggregate classification (germline): Likely benign. Review status: criteria provided, multiple submitters, no conflicts (2 of 4 stars). 3 submissions from 3 submitters: Likely benign (2). 1 of the submissions does not count toward it. Last evaluated 2025-01-23.

Conditions:
CACNA1H-related disorder.
Idiopathic generalized epilepsy. Also called: Generalised epilepsy; EIG. Identifiers: MedGen C0270850, MONDO:0005579, OMIM 600669.
Hyperaldosteronism, familial, type IV (HALD4). Also called: FH IV; ALDOSTERONISM, PRIMARY, AND HYPERTENSION. Identifiers: Orphanet 642671, MedGen C4310756, MONDO:0014875, OMIM 617027.

Allele frequency attached by ClinVar (database versions not stated): ExAC 0.00003; gnomAD exomes 0.00003; TOPMed 0.00004.
gnomAD v4.1: 33 of 1,612,742 alleles (0.002%); highest among the groups gnomAD compares: South Asian, 0.025%; no homozygotes.

Submissions (3):

Labcorp Genetics (formerly Invitae), Labcorp
Classification: Likely benign for Idiopathic generalized epilepsy; Hyperaldosteronism, familial, type IV. Last evaluated: 2025-01-23. Review status: criteria provided, single submitter. Criteria: Invitae Variant Classification Sherloc (09022015). Collection method: clinical testing. Allele origin: germline.

Blueprint Genetics
Classification: Likely benign. Last evaluated: 2024-03-11. Review status: criteria provided, single submitter. Criteria: ACMG Guidelines, 2015. Collection method: clinical testing. Allele origin: germline.

PreventionGenetics, part of Exact Sciences
Classification: Likely benign for CACNA1H-related condition. Last evaluated: 2019-07-18. Review status: no assertion criteria provided. Collection method: clinical testing. Allele origin: germline. Not counted in ClinVar's aggregate classification.
Comment: This variant is classified as likely benign based on ACMG/AMP sequence variant interpretation guidelines (Richards et al. 2015 PMID: 25741868, with internal and published modifications).

NM_021098.3(CACNA1H):c.2490C>T (p.Ile830=)

Gene: CACNA1H (calcium voltage-gated channel subunit alpha1 H; plus strand). Cytogenetic location: 16p13.3.
Variant type: single nucleotide variant.
Coding change: c.2490C>T on transcript NM_021098.3 (MANE Select); coding-DNA position 2490, C replaced by T.
Protein change: p.Ile830=; no amino-acid change (isoleucine 830 retained).
Molecular consequence: synonymous variant.
Genome position (GRCh38, 1-based): chr16:1,205,152, C>T. VCF-style: chr16-1205152-C-T. GRCh37 (hg19) VCF-style: chr16-1255152-C-T.
Other names: c.2490C>T, p.Ile830= (NM_001005407.2).
Identifiers: ClinVar variation 757035 (VCV000757035.10), dbSNP rs766316929, ClinGen allele CA7800309.